The following is an entry in ClinVar:

NM_001382567.1(STIM1):c.1632G>C (p.Gln544His)

Gene: STIM1 (stromal interaction molecule 1; plus strand). Cytogenetic location: 11p15.4.
Variant type: single nucleotide variant.
Coding change: c.1632G>C on transcript NM_001382567.1 (MANE Select); coding-DNA position 1632, G replaced by C.
Protein change: p.Gln544His; replaces glutamine 544 with histidine.
Molecular consequence: missense variant. On other transcripts: non-coding transcript variant (3).
Genome position (GRCh38, 1-based): chr11:4,086,541, G>C. VCF-style: chr11-4086541-G-C. GRCh37 (hg19) VCF-style: chr11-4107771-G-C.
Other names: c.1539G>C, p.Gln513His (NM_001277961.3, NM_001277962.2, NM_003156.4); c.1317G>C, p.Gln439His (NM_001382566.1, NM_001382575.1, NM_001382576.1 and 3 more transcripts); c.1560G>C, p.Gln520His (NM_001382568.1); c.1404G>C, p.Gln468His (NM_001382569.1); c.1311G>C, p.Gln437His (NM_001382570.1); c.1059G>C, p.Gln353His (NM_001382571.1); c.1050G>C, p.Gln350His (NM_001382580.1, NM_001382581.1); short protein forms Q350H, Q520H, Q468H, Q437H, Q513H, Q353H, Q439H, Q544H.
Identifiers: ClinVar variation 937806 (VCV000937806.10), dbSNP rs2094494375, ClinGen allele CA379195310.
Genomic context (GRCh38, chr11:4,086,541, plus strand): 5'-TAGCCTGCAGAGCAGTGTTCGGCAGCGCCTGACGGAGCCACAGCATGGCCTGGGATCTCA[G>C]AGGTTGGTAGAGGGCGAGGCTGGCCACTTCTTGACAAGCCGGGTATCTCTGCGGCGAATG-3'
Protein context (NP_001369496.1, residues 534-554): LTEPQHGLGS[Gln544His]RDLTHSDSES

ClinVar aggregate classification (germline): Uncertain significance (1 of 4 stars; one submission).

Conditions:
Stormorken syndrome (STRMK). Also called: THROMBOCYTOPATHY, ASPLENIA, AND MIOSIS. Identifiers: Orphanet 3204, MedGen C1861451, MONDO:0008497, OMIM 185070.
Combined immunodeficiency due to STIM1 deficiency. Also called: STIM1 DEFICIENCY; IMMUNODEFICIENCY 10. Identifiers: Orphanet 169090, Orphanet 317430, MedGen C2748557, MONDO:0013008, OMIM 612783.
Myopathy with tubular aggregates (TAM). Also called: Tubular Aggregate Myopathy. Identifiers: Orphanet 2593, MedGen C0410207, MONDO:0008051.

Submission:

Labcorp Genetics (formerly Invitae), Labcorp
Classification: Uncertain significance for Myopathy with tubular aggregates; Combined immunodeficiency due to STIM1 deficiency; Stormorken syndrome. Last evaluated: 2022-08-23. Review status: criteria provided, single submitter. Criteria: Invitae Variant Classification Sherloc (09022015). Collection method: clinical testing. Allele origin: germline.
Comment: ClinVar contains an entry for this variant (Variation ID: 937806). Algorithms developed to predict the effect of missense changes on protein structure and function are either unavailable or do not agree on the potential impact of this missense change (SIFT: "Deleterious"; PolyPhen-2: "Possibly Damaging"; Align-GVGD: "Class C0"). Algorithms developed to predict the effect of sequence changes on RNA splicing suggest that this variant may create or strengthen a splice site. In summary, the available evidence is currently insufficient to determine the role of this variant in disease. Therefore, it has been classified as a Variant of Uncertain Significance. This sequence change replaces glutamine, which is neutral and polar, with histidine, which is basic and polar, at codon 513 of the STIM1 protein (p.Gln513His). This variant is not present in population databases (gnomAD no frequency). This variant has not been reported in the literature in individuals affected with STIM1-related conditions.